The following is an entry in ClinVar:

NM_006946.4(SPTBN2):c.6419A>C (p.Asn2140Thr)

Gene: SPTBN2 (spectrin beta, non-erythrocytic 2; minus strand). Cytogenetic location: 11q13.2.
Variant type: single nucleotide variant.
Coding change: c.6419A>C on transcript NM_006946.4 (MANE Select); coding-DNA position 6419, A replaced by C.
Protein change: p.Asn2140Thr; replaces asparagine 2140 with threonine.
Molecular consequence: missense variant.
Genome position (GRCh38, 1-based): chr11:66,688,035, T>G on the plus strand (A>C on the coding strand, the complement: SPTBN2 is on the minus strand). VCF-style: chr11-66688035-T-G. GRCh37 (hg19) VCF-style: chr11-66455506-T-G.
Other names: c.6440A>C, p.Asn2147Thr (NM_001411025.1); short protein forms N2140T, N2147T.
Identifiers: ClinVar variation 3897345 (VCV003897345.1).

ClinVar aggregate classification (germline): Uncertain significance (1 of 4 stars; one submission).

gnomAD v4.1: 1 of 1,614,084 alleles (0.000062%); highest among the groups gnomAD compares: Non-Finnish European, 0.000085%; no homozygotes.

Submission:

GeneDx
Classification: Uncertain significance. Last evaluated: 2024-10-31. Review status: criteria provided, single submitter. Criteria: GeneDx Variant Classification Process June 2021. Collection method: clinical testing. Allele origin: germline. Affected: yes.
Comment: In silico analysis indicates that this missense variant does not alter protein structure/function; Has not been previously published as pathogenic or benign to our knowledge